The following is an entry in ClinVar:

ClinVar aggregate classification (germline): Uncertain significance (1 of 4 stars; one submission).

Submission:

Geisinger Autism and Developmental Medicine Institute, Geisinger Health System
Classification: Uncertain significance. Last evaluated: 2018-04-13. Review status: criteria provided, single submitter. Criteria: ACMG CNV Guidelines, 2011. Collection method: provider interpretation. Allele origin: paternal.
Comment: This deletion includes ADARB2 and a portion of WDR37. Neither of these genes is associated with a known clinical disorder at present. Overlapping deletions have been seen in individuals with developmental delay or dysmorphic features, with some including the gene ZMYND11 that is known to cause intellectual disability. The clinical significance of this deletion remains unclear at this time.

Literature cited by the submitters: PubMed 20425828.

Single allele

Genes: ADARB2 (adenosine deaminase RNA specific B2 (inactive); minus strand), WDR37 (WD repeat domain 37; plus strand). Cytogenetic location: 10p15.3.
Variant type: Deletion.
Identifiers: ClinVar variation 560154 (VCV000560154.3).